The following is an entry in ClinVar:

ClinVar aggregate classification (germline): Conflicting classifications of pathogenicity. Review status: criteria provided, conflicting classifications (1 of 4 stars). 2 submissions from 2 submitters: Likely pathogenic (1); Uncertain significance (1). Last evaluated 2024-05-29.

Conditions:
Leber congenital amaurosis 6 (LCA6). Identifiers: Orphanet 65, MedGen C1854260, MONDO:0013446, OMIM 613826.
Cone-rod dystrophy 13 (CORD13). Identifiers: Orphanet 1872, MedGen C2750720, MONDO:0011987, OMIM 608194.
Leber congenital amaurosis 1 (LCA1). Also called: RETINAL BLINDNESS, CONGENITAL; AMAUROSIS CONGENITA OF LEBER I; Congenital absence of the rods and cones; Leber's congenital tapetoretinal degeneration; Leber's congenital tapetoretinal dysplasia. Identifiers: Orphanet 65, MedGen C2931258, MONDO:0008764, OMIM 204000.

Submissions (2):

Labcorp Genetics (formerly Invitae), Labcorp
Classification: Uncertain significance for Leber congenital amaurosis 6; Cone-rod dystrophy 13. Last evaluated: 2024-05-29. Review status: criteria provided, single submitter. Criteria: Invitae Variant Classification Sherloc (09022015). Collection method: clinical testing. Allele origin: germline.
Comment: This sequence change replaces tyrosine, which is neutral and polar, with cysteine, which is neutral and slightly polar, at codon 823 of the RPGRIP1 protein (p.Tyr823Cys). This variant is not present in population databases (gnomAD no frequency). This missense change has been observed in individual(s) with Leber congenital amaurosis (PMID: 32865313). In at least one individual the data is consistent with being in trans (on the opposite chromosome) from a pathogenic variant. ClinVar contains an entry for this variant (Variation ID: 803004). Advanced modeling of protein sequence and biophysical properties (such as structural, functional, and spatial information, amino acid conservation, physicochemical variation, residue mobility, and thermodynamic stability) performed at Invitae indicates that this missense variant is expected to disrupt RPGRIP1 protein function with a positive predictive value of 80%. In summary, the available evidence is currently insufficient to determine the role of this variant in disease. Therefore, it has been classified as a Variant of Uncertain Significance.

Mendelics
Classification: Likely pathogenic for Leber congenital amaurosis 1. Last evaluated: 2019-05-28. Review status: criteria provided, single submitter. Criteria: Mendelics Assertion Criteria 2017. Collection method: clinical testing. Allele origin: unknown.

Literature cited by the submitters: PubMed 32865313 (cited by Labcorp Genetics (formerly Invitae), Labcorp).

NM_020366.4(RPGRIP1):c.2468A>G (p.Tyr823Cys)

Gene: RPGRIP1 (RPGR interacting protein 1; plus strand). Cytogenetic location: 14q11.2.
Variant type: single nucleotide variant.
Coding change: c.2468A>G on transcript NM_020366.4 (MANE Select); coding-DNA position 2468, A replaced by G.
Protein change: p.Tyr823Cys; replaces tyrosine 823 with cysteine.
Molecular consequence: missense variant. On other transcripts: intron variant (4).
Genome position (GRCh38, 1-based): chr14:21,325,931, A>G. VCF-style: chr14-21325931-A-G. GRCh37 (hg19) VCF-style: chr14-21794090-A-G.
Other names: c.191-1692A>G (NM_001377951.1); c.1394A>G, p.Tyr465Cys (NM_001377948.1); c.796+1206A>G (NM_001377949.1); c.689-1692A>G (NM_001377523.1, NM_001377950.1); short protein forms Y823C, Y465C.
Identifiers: ClinVar variation 803004 (VCV000803004.6), dbSNP rs751521888, ClinGen allele CA257536134.